The following is an entry in ClinVar:

NM_020822.3(KCNT1):c.1402-64C>T

Gene: KCNT1 (potassium sodium-activated channel subfamily T member 1; plus strand). Cytogenetic location: 9q34.3.
Variant type: single nucleotide variant.
Coding change: c.1402-64C>T on transcript NM_020822.3 (MANE Select); 64 bases into the intron before coding-DNA position 1402, C replaced by T.
Molecular consequence: intron variant.
Genome position (GRCh38, 1-based): chr9:135,768,765, C>T. VCF-style: chr9-135768765-C-T. GRCh37 (hg19) VCF-style: chr9-138660611-C-T.
Other names: c.1267-64C>T (NM_001272003.2).
Identifiers: ClinVar variation 677313 (VCV000677313.2), dbSNP rs57788375, ClinGen allele CA16376456.
Genomic context (GRCh38, chr9:135,768,765, plus strand): 5'-AGGGGCACCGTGGGGCCGGGGAGCGGGGGTCCCTGAGGGAAGAGACCTGCCCCAGGCTGC[C>T]GGTGCCGCCCAGCAGCCCACAGAGGCCAGCCCGTCTGCACTGACCAACCACCCACCCCGC-3'

ClinVar aggregate classification (germline): Benign. Review status: criteria provided, multiple submitters, no conflicts (2 of 4 stars). 2 submissions from 2 submitters: Benign (2). Last evaluated 2018-06-14.

Allele frequency attached by ClinVar (database versions not stated): gnomAD exomes 0.01273; TOPMed 0.05925; 1000 Genomes Project 0.06490; 1000 Genomes Project 30x 0.06543.
gnomAD v4.1: 25,921 of 1,540,898 alleles (1.7%); highest among the groups gnomAD compares: African/African-American, 15%; 1,095 homozygotes.

Submissions (2):

GeneDx
Classification: Benign. Last evaluated: 2018-06-14. Review status: criteria provided, single submitter. Criteria: GeneDx Variant Classification (06012015). Collection method: clinical testing. Allele origin: germline. Affected: yes.
Comment: This variant is considered likely benign or benign based on one or more of the following criteria: it is a conservative change, it occurs at a poorly conserved position in the protein, it is predicted to be benign by multiple in silico algorithms, and/or has population frequency not consistent with disease.

Breakthrough Genomics
Classification: Benign. Review status: criteria provided, single submitter. Criteria: ACMG Guidelines, 2015. Collection method: not provided. Allele origin: germline. Inheritance: Autosomal dominant inheritance. Affected: yes.